The following is an entry in ClinVar:

ClinVar aggregate classification (germline): Uncertain significance (1 of 4 stars; one submission).

Conditions:
Long QT syndrome (LQTS). Identifiers: MedGen C0023976, MeSH D008133, MONDO:0002442. Disease mechanism: loss of function. Inheritance: Various modes of inheritance.

Submission:

Labcorp Genetics (formerly Invitae), Labcorp
Classification: Uncertain significance for Long QT syndrome. Last evaluated: 2025-12-14. Review status: criteria provided, single submitter. Criteria: Invitae Variant Classification Sherloc (09022015). Collection method: clinical testing. Allele origin: germline.
Comment: This sequence change replaces phenylalanine, which is neutral and non-polar, with serine, which is neutral and polar, at codon 142 of the KCNJ5 protein (p.Phe142Ser). This variant is not present in population databases (gnomAD no frequency). This variant has not been reported in the literature in individuals affected with KCNJ5-related conditions. Invitae Evidence Modeling of protein sequence and biophysical properties (such as structural, functional, and spatial information, amino acid conservation, physicochemical variation, residue mobility, and thermodynamic stability) indicates that this missense variant is expected to disrupt KCNJ5 protein function with a positive predictive value of 80%. In summary, the available evidence is currently insufficient to determine the role of this variant in disease. Therefore, it has been classified as a Variant of Uncertain Significance.

NM_000890.5(KCNJ5):c.425T>C (p.Phe142Ser)

Gene: KCNJ5 (potassium inwardly rectifying channel subfamily J member 5; plus strand). Cytogenetic location: 11q24.3.
Variant type: single nucleotide variant.
Coding change: c.425T>C on transcript NM_000890.5 (MANE Select); coding-DNA position 425, T replaced by C.
Protein change: p.Phe142Ser; replaces phenylalanine 142 with serine.
Molecular consequence: missense variant.
Genome position (GRCh38, 1-based): chr11:128,911,698, T>C. VCF-style: chr11-128911698-T-C. GRCh37 (hg19) VCF-style: chr11-128781593-T-C.
Other names: c.425T>C, p.Phe142Ser (NM_001354169.2); short protein forms F142S.
Identifiers: ClinVar variation 4741522 (VCV004741522.1).